The following is an entry in ClinVar:

NM_173628.4(DNAH17):c.1293_1294del (p.Tyr431_Lys432delinsTer)

Gene: DNAH17 (dynein axonemal heavy chain 17; minus strand). Cytogenetic location: 17q25.3.
Variant type: Microsatellite.
Coding change: c.1293_1294del on transcript NM_173628.4 (MANE Select); coding-DNA positions 1293 to 1294, 2 bases deleted (TA; older notation c.1293_1294delTA).
Protein change: p.Tyr431_Lys432delinsTer.
Molecular consequence: nonsense.
Genome position (GRCh38, 1-based): chr17:78,567,157-78,567,158, TA deleted on the plus strand (TA on the coding strand, the reverse complement: DNAH17 is on the minus strand); deleting any 2 consecutive bases within chr17:78,567,157-78,567,160 gives the same sequence; the c. name uses the placement nearest the transcript's 3' end. VCF-style (leftmost placement, unchanged base first): chr17-78567156-TTA-T. GRCh37 (hg19) VCF-style: chr17-76563238-TTA-T.
Other names: c.1293_1294del (NM_173628.3).
Identifiers: ClinVar variation 692267 (VCV000692267.3), dbSNP rs767723684, ClinGen allele CA8805224.

ClinVar aggregate classification (germline): Pathogenic. Review status: criteria provided, single submitter (1 of 4 stars). 2 submissions from 2 submitters: Pathogenic (1). 1 of the submissions does not count toward it. Last evaluated 2020-02-14.

Conditions:
Spermatogenic failure 39. Identifiers: MedGen C5231438, MONDO:0032845, OMIM 618643.

Submissions (2):

SIB Swiss Institute of Bioinformatics
Classification: Pathogenic for Spermatogenic failure 39. Last evaluated: 2020-02-14. Review status: criteria provided, single submitter. Criteria: ACMG Guidelines, 2015. Collection method: curation. Allele origin: unknown.
Comment: This variant is interpreted as pathogenic for spermatogenic failure 39, autosomal recessive. The following ACMG Tag(s) were applied: PM2, PVS1-Strong, PM3, PM1.

OMIM
Classification: Pathogenic for SPERMATOGENIC FAILURE 39. Last evaluated: 2022-07-27. Review status: no assertion criteria provided. Collection method: literature only. Allele origin: germline. Not counted in ClinVar's aggregate classification.

Literature cited by the submitters: PubMed 31178125 (cited by SIB Swiss Institute of Bioinformatics and OMIM).